The following is an entry in ClinVar:

ClinVar aggregate classification (germline): Uncertain significance (1 of 4 stars; one submission).

Conditions:
Neurofibromatosis, type 1 (NF1). Also called: VON RECKLINGHAUSEN DISEASE; NEUROFIBROMATOSIS, TYPE I, SOMATIC; Neurofibromatosis, type I; Peripheral type neurofibromatosis. Identifiers: Orphanet 636, MedGen C0027831, MONDO:0018975, OMIM 162200. Disease mechanism: loss of function.

Submission:

Labcorp Genetics (formerly Invitae), Labcorp
Classification: Uncertain significance for Neurofibromatosis, type 1. Last evaluated: 2024-03-04. Review status: criteria provided, single submitter. Criteria: Invitae Variant Classification Sherloc (09022015). Collection method: clinical testing. Allele origin: germline.
Comment: This sequence change replaces isoleucine, which is neutral and non-polar, with valine, which is neutral and non-polar, at codon 2725 of the NF1 protein (p.Ile2725Val). This variant is not present in population databases (gnomAD no frequency). This variant has not been reported in the literature in individuals affected with NF1-related conditions. Advanced modeling of protein sequence and biophysical properties (such as structural, functional, and spatial information, amino acid conservation, physicochemical variation, residue mobility, and thermodynamic stability) performed at Invitae indicates that this missense variant is not expected to disrupt NF1 protein function with a negative predictive value of 95%. In summary, the available evidence is currently insufficient to determine the role of this variant in disease. Therefore, it has been classified as a Variant of Uncertain Significance.

NM_001042492.3(NF1):c.8236A>G (p.Ile2746Val)

Gene: NF1 (neurofibromin 1; plus strand). Cytogenetic location: 17q11.2.
Variant type: single nucleotide variant.
Coding change: c.8236A>G on transcript NM_001042492.3 (MANE Select); coding-DNA position 8236, A replaced by G.
Protein change: p.Ile2746Val; replaces isoleucine 2746 with valine.
Molecular consequence: missense variant.
Genome position (GRCh38, 1-based): chr17:31,360,562, A>G. VCF-style: chr17-31360562-A-G. GRCh37 (hg19) VCF-style: chr17-29687580-A-G.
Other names: c.8173A>G, p.Ile2725Val (NM_000267.4); short protein forms I2725V, I2746V.
Identifiers: ClinVar variation 3668993 (VCV003668993.2).